The following is an entry in ClinVar:

ClinVar aggregate classification (germline): Likely benign. Review status: criteria provided, multiple submitters, no conflicts (2 of 4 stars). 2 submissions from 2 submitters: Likely benign (2). Last evaluated 2026-01-18.

Conditions:
Fanconi anemia (FA). Also called: Fanconi's anemia. Identifiers: Orphanet 84, MedGen C0015625, MeSH D005199, MONDO:0019391.

Allele frequency attached by ClinVar (database versions not stated): TOPMed below 0.00001; gnomAD 0.00001; gnomAD exomes 0.00001.
gnomAD v4.1: 14 of 1,613,998 alleles (0.00087%); highest among the groups gnomAD compares: Middle Eastern, 0.016%; no homozygotes.

Submissions (2):

Labcorp Genetics (formerly Invitae), Labcorp
Classification: Likely benign for Fanconi anemia. Last evaluated: 2026-01-18. Review status: criteria provided, single submitter. Criteria: Invitae Variant Classification Sherloc (09022015). Collection method: clinical testing. Allele origin: germline.

GeneDx
Classification: Likely benign. Last evaluated: 2017-03-15. Review status: criteria provided, single submitter. Criteria: GeneDx Variant Classification (06012015). Collection method: clinical testing. Allele origin: germline. Affected: yes.
Comment: This variant is considered likely benign or benign based on one or more of the following criteria: it is a conservative change, it occurs at a poorly conserved position in the protein, it is predicted to be benign by multiple in silico algorithms, and/or has population frequency not consistent with disease.

NM_000136.3(FANCC):c.1155-16T>G

Genes: AOPEP (aminopeptidase O (putative); plus strand), FANCC (FA complementation group C; minus strand). Cytogenetic location: 9q22.32.
Variant type: single nucleotide variant.
Coding change: c.1155-16T>G on transcript NM_000136.3 (MANE Select); 16 bases into the intron before coding-DNA position 1155, T replaced by G.
Molecular consequence: intron variant.
Genome position (GRCh38, 1-based): chr9:95,111,653, A>C on the plus strand (T>G on the coding strand, the complement: FANCC is on the minus strand). VCF-style: chr9-95111653-A-C. GRCh37 (hg19) VCF-style: chr9-97873935-A-C.
Other names: c.1155-16T>G (NM_001243743.2, NM_001243744.2).
Identifiers: ClinVar variation 516061 (VCV000516061.4), dbSNP rs1202931082, ClinGen allele CA589580890.
Genomic context (GRCh38, chr9:95,111,653, plus strand): 5'-AAGTGAATGAACAGGAACCAGCTCTCAAAGGGACCTCCGCAGGACCTGGAACAGAGGCAG[A>C]ACACATGGCAGTTGACAACCTAAATTCTTCTTCCTTTGGGTTTTTAAAGCAACTTTAACG-3'